The following is an entry in ClinVar:

ClinVar aggregate classification (germline): Uncertain significance. Review status: criteria provided, multiple submitters, no conflicts (2 of 4 stars). 3 submissions from 3 submitters: Uncertain significance (3). Last evaluated 2025-11-12.

Conditions:
Muscular dystrophy-dystroglycanopathy (congenital with brain and eye anomalies), type a, 11 (MDDGA11). Also called: Muscular dystrophy-dystroglycanopathy (congenital with brain and eye anomalies, type A, 11; Congenital muscular dystrophy-dystroglycanopathy with brain and eye anomalies, type A11; WALKER-WARBURG SYNDROME OR MUSCLE-EYE-BRAIN DISEASE, B3GALNT2-RELATED. Identifiers: Orphanet 588, Orphanet 899, MedGen C3554638, MONDO:0014071, OMIM 615181.
Inborn genetic diseases. Identifiers: MedGen C0950123, MeSH D030342.

Allele frequency attached by ClinVar (database versions not stated): gnomAD exomes 0.00001 and 0.00004; gnomAD 0.00005 and 0.00006; TOPMed 0.00004; ExAC 0.00003.
gnomAD v4.1: 25 of 1,602,564 alleles (0.0016%); highest among the groups gnomAD compares: African/African-American, 0.012%; no homozygotes.

Submissions (3):

Ambry Genetics
Classification: Uncertain significance for Inborn genetic diseases. Last evaluated: 2025-11-12. Review status: criteria provided, single submitter. Criteria: Ambry Variant Classification Scheme 2023. Collection method: clinical testing. Allele origin: germline.

Labcorp Genetics (formerly Invitae), Labcorp
Classification: Uncertain significance for Muscular dystrophy-dystroglycanopathy (congenital with brain and eye anomalies), type a, 11. Last evaluated: 2022-09-07. Review status: criteria provided, single submitter. Criteria: Invitae Variant Classification Sherloc (09022015). Collection method: clinical testing. Allele origin: germline.
Comment: This sequence change replaces tyrosine, which is neutral and polar, with cysteine, which is neutral and slightly polar, at codon 340 of the B3GALNT2 protein (p.Tyr340Cys). This variant is present in population databases (rs773864097, gnomAD 0.01%). This variant has not been reported in the literature in individuals affected with B3GALNT2-related conditions. ClinVar contains an entry for this variant (Variation ID: 579191). Algorithms developed to predict the effect of missense changes on protein structure and function are either unavailable or do not agree on the potential impact of this missense change (SIFT: "Deleterious"; PolyPhen-2: "Benign"; Align-GVGD: "Class C25"). In summary, the available evidence is currently insufficient to determine the role of this variant in disease. Therefore, it has been classified as a Variant of Uncertain Significance.

Revvity Omics, Revvity
Classification: Uncertain significance for Muscular dystrophy-dystroglycanopathy (congenital with brain and eye anomalies), type a, 11. Last evaluated: 2019-12-10. Review status: criteria provided, single submitter. Criteria: ACMG Guidelines, 2015. Collection method: clinical testing. Allele origin: germline.

NM_152490.5(B3GALNT2):c.1019A>G (p.Tyr340Cys)

Gene: B3GALNT2 (beta-1,3-N-acetylgalactosaminyltransferase 2; minus strand). Cytogenetic location: 1q42.3.
Variant type: single nucleotide variant.
Coding change: c.1019A>G on transcript NM_152490.5 (MANE Select); coding-DNA position 1019, A replaced by G.
Protein change: p.Tyr340Cys; replaces tyrosine 340 with cysteine.
Molecular consequence: missense variant.
Genome position (GRCh38, 1-based): chr1:235,458,609, T>C on the plus strand (A>G on the coding strand, the complement: B3GALNT2 is on the minus strand). VCF-style: chr1-235458609-T-C. GRCh37 (hg19) VCF-style: chr1-235621917-T-C.
Other names: c.1019A>G (NM_152490.3, NM_152490.2); short protein forms Y340C.
Identifiers: ClinVar variation 579191 (VCV000579191.10), dbSNP rs773864097, ClinGen allele CA1464731.